The following is an entry in ClinVar:

NM_000135.4(FANCA):c.1854C>G (p.Tyr618Ter)

Gene: FANCA (FA complementation group A; minus strand). Cytogenetic location: 16q24.3.
Variant type: single nucleotide variant.
Coding change: c.1854C>G on transcript NM_000135.4 (MANE Select); coding-DNA position 1854, C replaced by G.
Protein change: p.Tyr618Ter; replaces tyrosine 618 with a stop codon.
Molecular consequence: nonsense.
Genome position (GRCh38, 1-based): chr16:89,775,788, G>C on the plus strand (C>G on the coding strand, the complement: FANCA is on the minus strand). VCF-style: chr16-89775788-G-C. GRCh37 (hg19) VCF-style: chr16-89842196-G-C.
Other names: c.1854C>G, p.Tyr618Ter (NM_001286167.3); short protein forms Y618*.
Identifiers: ClinVar variation 1413994 (VCV001413994.7), dbSNP rs747994845, ClinGen allele CA397452011.

ClinVar aggregate classification (germline): Pathogenic. Review status: criteria provided, multiple submitters, no conflicts (2 of 4 stars). 2 submissions from 2 submitters: Pathogenic (2). Last evaluated 2024-12-30.

Conditions:
Fanconi anemia (FA). Also called: Fanconi's anemia. Identifiers: Orphanet 84, MedGen C0015625, MeSH D005199, MONDO:0019391.
Fanconi anemia complementation group A (FANCA). Also called: Fanconi anemia, group A; FANCA-Related Fanconi Anemia. Identifiers: Orphanet 84, MedGen C3469521, MONDO:0009215, OMIM 227650.

Submissions (2):

Myriad Genetics, Inc.
Classification: Pathogenic for Fanconi anemia complementation group A. Last evaluated: 2024-12-30. Review status: criteria provided, single submitter. Criteria: Myriad Autosomal Dominant, Autosomal Recessive and X-Linked Classification Criteria (2023). Collection method: clinical testing. Allele origin: unknown.
Comment: NM_000135.2(FANCA):c.1854C>G(Y618*) is expected to be pathogenic in the context of Fanconi anemia complementation group A. This variant is predicted to lead to an abnormal or absent protein product due to the creation of a premature termination codon in FANCA, a gene where loss-of-function variants are known to be pathogenic. Please note: this variant was assessed in the context of healthy population screening.

Labcorp Genetics (formerly Invitae), Labcorp
Classification: Pathogenic for Fanconi anemia. Last evaluated: 2022-03-07. Review status: criteria provided, single submitter. Criteria: Invitae Variant Classification Sherloc (09022015). Collection method: clinical testing. Allele origin: germline.
Comment: This sequence change creates a premature translational stop signal (p.Tyr618*) in the FANCA gene. It is expected to result in an absent or disrupted protein product. Loss-of-function variants in FANCA are known to be pathogenic (PMID: 19367192). This variant is not present in population databases (gnomAD no frequency). This variant has not been reported in the literature in individuals affected with FANCA-related conditions. Algorithms developed to predict the effect of sequence changes on RNA splicing suggest that this variant may create or strengthen a splice site. For these reasons, this variant has been classified as Pathogenic.

Literature cited by the submitters: PubMed 19367192 (cited by Labcorp Genetics (formerly Invitae), Labcorp).